The following is an entry in ClinVar:

ClinVar aggregate classification (germline): Uncertain significance (1 of 4 stars; one submission).

Conditions:
Dilated cardiomyopathy 1W (CMD1W). Identifiers: Orphanet 154, MedGen C1969639, MONDO:0012667, OMIM 611407.

Submission:

Labcorp Genetics (formerly Invitae), Labcorp
Classification: Uncertain significance for Dilated cardiomyopathy 1W. Last evaluated: 2025-11-18. Review status: criteria provided, single submitter. Criteria: Invitae Variant Classification Sherloc (09022015). Collection method: clinical testing. Allele origin: germline.
Comment: This sequence change replaces glutamic acid, which is acidic and polar, with aspartic acid, which is acidic and polar, at codon 143 of the VCL protein (p.Glu143Asp). This variant is not present in population databases (gnomAD no frequency). This variant has not been reported in the literature in individuals affected with VCL-related conditions. ClinVar contains an entry for this variant (Variation ID: 1393397). An algorithm developed to predict the effect of missense changes on protein structure and function (PolyPhen-2) suggests that this variant is likely to be disruptive. In summary, the available evidence is currently insufficient to determine the role of this variant in disease. Therefore, it has been classified as a Variant of Uncertain Significance.

NM_014000.3(VCL):c.429A>C (p.Glu143Asp)

Gene: VCL (vinculin; plus strand). Cytogenetic location: 10q22.2.
Variant type: single nucleotide variant.
Coding change: c.429A>C on transcript NM_014000.3 (MANE Select); coding-DNA position 429, A replaced by C.
Protein change: p.Glu143Asp; replaces glutamic acid 143 with aspartic acid.
Molecular consequence: missense variant.
Genome position (GRCh38, 1-based): chr10:74,071,013, A>C. VCF-style: chr10-74071013-A-C. GRCh37 (hg19) VCF-style: chr10-75830771-A-C.
Other names: c.429A>C, p.Glu143Asp (NM_003373.4); short protein forms E143D.
Identifiers: ClinVar variation 1393397 (VCV001393397.6), dbSNP rs2136272893, ClinGen allele CA377266434.
Genomic context (GRCh38, chr10:74,071,013, plus strand): 5'-ATACTCTGAAATATTTTTTCAGGTCCGTAAAATTATTAGAGTTTGCAAAGGAATTTTGGA[A>C]TATCTTACAGTGGCAGAGGTGGTGGAGACTATGGAAGATTTGGTCACTTACACAAAGAAT-3'
Protein context (NP_054706.1, residues 133-153): KIIRVCKGIL[Glu143Asp]YLTVAEVVET